The following is an entry in ClinVar:

NM_020964.3(EPG5):c.1442del (p.Asn481fs)

Gene: EPG5 (ectopic P-granules 5 autophagy tethering factor; minus strand). Cytogenetic location: 18q21.1.
Variant type: Deletion.
Coding change: c.1442del on transcript NM_020964.3 (MANE Select); coding-DNA position 1442, one base deleted (A; older notation c.1442delA).
Protein change: p.Asn481fs; shifts the reading frame from asparagine 481.
Molecular consequence: frameshift variant.
Genome position (GRCh38, 1-based): chr18:45,949,539, T deleted on the plus strand (A on the coding strand, the reverse complement: EPG5 is on the minus strand); the first of 3 consecutive T bases (chr18:45,949,539-45,949,541); deleting any one gives the same sequence. VCF-style (leftmost placement, unchanged base first): chr18-45949538-GT-G. GRCh37 (hg19) VCF-style: chr18-43529504-GT-G.
Other names: c.1442del, p.Asn481fs (NM_001410858.1, NM_001410859.1); short protein forms N481fs.
Identifiers: ClinVar variation 2576070 (VCV002576070.1), dbSNP rs2512073756, ClinGen allele CA2580612988.

ClinVar aggregate classification (germline): Likely pathogenic (1 of 4 stars; one submission).

Submission:

Institute for Clinical Genetics, University Hospital TU Dresden, University Hospital TU Dresden
Classification: Likely pathogenic. Last evaluated: 2022-12-13. Review status: criteria provided, single submitter. Criteria: ACMG Guidelines, 2015. Collection method: clinical testing. Allele origin: maternal.
Comment: PVS1, PM2_SUP